The following is an entry in ClinVar:

ClinVar aggregate classification (germline): Uncertain significance (1 of 4 stars; one submission).

Allele frequency attached by ClinVar (database versions not stated): gnomAD exomes below 0.00001; gnomAD 0.00001; TOPMed 0.00001.

Submission:

Women's Health and Genetics/Laboratory Corporation of America, LabCorp
Classification: Uncertain significance. Last evaluated: 2023-08-09. Review status: criteria provided, single submitter. Criteria: LabCorp Variant Classification Summary - May 2015. Collection method: clinical testing. Allele origin: germline.
Comment: Variant summary: MRPL44 c.786delT (p.Gly263AlafsX18) results in a premature termination codon and although nonsense mediated decay is not expected, it is predicted to cause a truncation of the encoded protein; however the molecular mechanism of disease attributed to MRPL44 is gain-of-function. The variant was absent in 251054 control chromosomes (gnomAD). The available data on variant occurrences in the general population are insufficient to allow any conclusion about variant significance. To our knowledge, no occurrence of c.786delT in individuals affected with Combined Oxidative Phosphorylation Deficiency 16 and no experimental evidence demonstrating its impact on protein function have been reported. No submitters have cited clinical-significance assessments for this variant to ClinVar after 2014. Based on the evidence outlined above, the variant was classified as uncertain significance.

NM_022915.5(MRPL44):c.786del (p.Gly263fs)

Gene: MRPL44 (mitochondrial ribosomal protein L44; plus strand). Cytogenetic location: 2q36.1.
Variant type: Deletion.
Coding change: c.786del on transcript NM_022915.5 (MANE Select); coding-DNA position 786, one base deleted (T; older notation c.786delT).
Protein change: p.Gly263fs; shifts the reading frame from glycine 263.
Molecular consequence: frameshift variant.
Genome position (GRCh38, 1-based): chr2:223,963,893, T deleted. VCF-style (leftmost placement, unchanged base first): chr2-223963892-GT-G. GRCh37 (hg19) VCF-style: chr2-224828609-GT-G.
Other names: short protein forms G263fs.
Identifiers: ClinVar variation 2581610 (VCV002581610.1), dbSNP rs1418392731, ClinGen allele CA540301983.